The following is an entry in ClinVar:

NM_000426.4(LAMA2):c.6890T>C (p.Ile2297Thr)

Gene: LAMA2 (laminin subunit alpha 2; plus strand). Cytogenetic location: 6q22.33.
Variant type: single nucleotide variant.
Coding change: c.6890T>C on transcript NM_000426.4 (MANE Select); coding-DNA position 6890, T replaced by C.
Protein change: p.Ile2297Thr; replaces isoleucine 2297 with threonine.
Molecular consequence: missense variant.
Genome position (GRCh38, 1-based): chr6:129,460,222, T>C. VCF-style: chr6-129460222-T-C. GRCh37 (hg19) VCF-style: chr6-129781367-T-C.
Other names: c.6890T>C, p.Ile2297Thr (NM_001079823.2); short protein forms I2297T.
Identifiers: ClinVar variation 477500 (VCV000477500.6), dbSNP rs1554300918, ClinGen allele CA365619093.
Genomic context (GRCh38, chr6:129,460,222, plus strand): 5'-TTCCAAATTCTAGCAAATAACGGTATTTCTTTCTGCAGAAGGCTGATGCTGTACGTGTGA[T>C]TACATTCACTGGCTGCATGGGAGAAACATACTTTGACAACAAACCTATAGGTTTGTGGAA-3'
Protein context (NP_000417.3, residues 2287-2307): KLKKADAVRV[Ile2297Thr]TFTGCMGETY

ClinVar aggregate classification (germline): Uncertain significance (1 of 4 stars; one submission).

Conditions:
LAMA2-related muscular dystrophy (LAMA2-RD). Also called: Laminin alpha 2-related dystrophy. Identifiers: MedGen C5679788, MONDO:0100228.

Allele frequency attached by ClinVar (database versions not stated): TOPMed below 0.00001.
gnomAD v4.1: 2 of 1,611,996 alleles (0.00012%); highest among the groups gnomAD compares: South Asian, 0.0011%; no homozygotes.

Submission:

Labcorp Genetics (formerly Invitae), Labcorp
Classification: Uncertain significance for LAMA2-related muscular dystrophy. Last evaluated: 2021-08-26. Review status: criteria provided, single submitter. Criteria: Invitae Variant Classification Sherloc (09022015). Collection method: clinical testing. Allele origin: germline.
Comment: This sequence change replaces isoleucine with threonine at codon 2297 of the LAMA2 protein (p.Ile2297Thr). The isoleucine residue is weakly conserved and there is a moderate physicochemical difference between isoleucine and threonine. This variant is not present in population databases (ExAC no frequency). This variant has not been reported in the literature in individuals affected with LAMA2-related conditions. Algorithms developed to predict the effect of missense changes on protein structure and function output the following: SIFT: "Tolerated"; PolyPhen-2: "Benign"; Align-GVGD: "Class C0". The threonine amino acid residue is found in multiple mammalian species, which suggests that this missense change does not adversely affect protein function. In summary, the available evidence is currently insufficient to determine the role of this variant in disease. Therefore, it has been classified as a Variant of Uncertain Significance.